The following is an entry in ClinVar:

ClinVar aggregate classification (germline): Pathogenic (1 of 4 stars; one submission).

Conditions:
Glycogen storage disease, type V (GSD5). Also called: MCARDLE DISEASE; MUSCLE GLYCOGEN PHOSPHORYLASE DEFICIENCY; MYOPHOSPHORYLASE DEFICIENCY; PYGM DEFICIENCY; McArdle type glycogen storage disease. Identifiers: Orphanet 368, MedGen C0017924, MONDO:0009293, OMIM 232600.

Submission:

Myriad Genetics, Inc.
Classification: Pathogenic for Glycogen storage disease, type V. Last evaluated: 2025-05-03. Review status: criteria provided, single submitter. Criteria: Myriad Autosomal Dominant, Autosomal Recessive and X-Linked Classification Criteria (2023). Collection method: clinical testing. Allele origin: unknown.
Comment: NM_005609.2(PYGM):c.1376_1383dup8(E462Sfs*80) is expected to be pathogenic in the context of glycogen storage disease, PYGM-related. This variant is predicted to lead to an abnormal or absent protein product due to the creation of a premature termination codon in PYGM, a gene where loss-of-function variants are known to be pathogenic. Please note: this variant was assessed in the context of healthy population screening.

NM_005609.4(PYGM):c.1376_1383dup (p.Glu462fs)

Gene: PYGM (glycogen phosphorylase, muscle associated; minus strand). Cytogenetic location: 11q13.1.
Variant type: Duplication.
Coding change: c.1376_1383dup on transcript NM_005609.4 (MANE Select); coding-DNA positions 1376 to 1383, 8 bases duplicated (TCCACTCC; older notation c.1376_1383dupTCCACTCC).
Protein change: p.Glu462fs; shifts the reading frame from glutamic acid 462.
Molecular consequence: frameshift variant.
Genome position (GRCh38, 1-based): chr11:64,753,539-64,753,546, GGAGTGGA duplicated on the plus strand (TCCACTCC on the coding strand, the reverse complement: PYGM is on the minus strand). VCF-style (leftmost placement, unchanged base first): chr11-64753538-C-CGGAGTGGA. GRCh37 (hg19) VCF-style: chr11-64521010-C-CGGAGTGGA.
Other names: c.1112_1119dup, p.Glu374fs (NM_001164716.1); short protein forms E374fs, E462fs.
Identifiers: ClinVar variation 5014372 (VCV005014372.1).